The following is an entry in ClinVar:

NM_006265.3(RAD21):c.1183C>G (p.Pro395Ala)

Gene: RAD21 (RAD21 cohesin complex component; minus strand). Cytogenetic location: 8q24.11.
Variant type: single nucleotide variant.
Coding change: c.1183C>G on transcript NM_006265.3 (MANE Select); coding-DNA position 1183, C replaced by G.
Protein change: p.Pro395Ala; replaces proline 395 with alanine.
Molecular consequence: missense variant.
Genome position (GRCh38, 1-based): chr8:116,852,687, G>C on the plus strand (C>G on the coding strand, the complement: RAD21 is on the minus strand). VCF-style: chr8-116852687-G-C. GRCh37 (hg19) VCF-style: chr8-117864926-G-C.
Other names: short protein forms P395A.
Identifiers: ClinVar variation 3376429 (VCV003376429.1).

ClinVar aggregate classification (germline): Uncertain significance (1 of 4 stars; one submission).

Conditions:
Cornelia de Lange syndrome 4 (CDLS4). Also called: RAD21-Related Cornelia de Lange Syndrome; CORNELIA DE LANGE SYNDROME 4 WITH OR WITHOUT MIDLINE BRAIN DEFECTS. Identifiers: Orphanet 199, MedGen C3553517, MONDO:0013864, OMIM 614701.

Submission:

Pittsburgh Clinical Genomics Laboratory, University of Pittsburgh Medical Center
Classification: Uncertain significance for Cornelia de Lange syndrome 4. Last evaluated: 2024-02-06. Review status: criteria provided, single submitter. Criteria: ACMG Guidelines, 2015. Collection method: clinical testing. Allele origin: germline. Inheritance: Autosomal dominant inheritance. Affected: yes.
Comment: This sequence variant is a single nucleotide substitution (C>G) at position 1183 of the coding sequence of the RAD21 gene that results in a proline to alanine amino acid change at residue 395 of the RAD21 cohesin complex component protein. This residue falls in the STAG domain (PMID: 32687945), which plays a critical role in RAD21 cohesin complex component's chromosome maintenance and DNA repair functions. This variant is absent from ClinVar and the gnomAD v4.0.0 population database (0 of approximately 1,500,000 alleles). To our knowledge, this variant has not been observed in an individual affected by a RAD21-related disorder in the published literature. Multiple bioinformatic tools predict that this proline to alanine amino acid change would be damaging, and the Pro395 residue at this position is highly conserved across the vertebrate species examined. In addition, in silico splice predictors indicate that this nucleotide change may generate a novel splicing acceptor site. Studies examining the functional consequence of this variant have not been published, to our knowledge. At this time, there is insufficient evidence to determine if this variant is pathogenic or benign. Therefore, we consider this a variant of uncertain significance. ACMG Criteria: PM2, PP3

Literature cited by the submitters: PubMed 32687945.